The following is an entry in ClinVar:

ClinVar aggregate classification (germline): Benign/Likely benign. Review status: criteria provided, multiple submitters, no conflicts (2 of 4 stars). 3 submissions from 3 submitters: Benign (1); Likely benign (2). Last evaluated 2018-06-18.

Allele frequency attached by ClinVar (database versions not stated): gnomAD 0.03050 and 0.02860; 1000 Genomes Project 30x 0.03217; gnomAD exomes 0.00407 and 0.00871; ExAC 0.01073; ESP Exome Variant Server 0.03191; TOPMed 0.03291; 1000 Genomes Project 0.03095.
gnomAD v4.1: 8,922 of 1,230,326 alleles (0.73%); highest among the groups gnomAD compares: African/African-American, 9.5%; 374 homozygotes.

Submissions (3):

GeneDx
Classification: Benign. Last evaluated: 2018-06-18. Review status: criteria provided, single submitter. Criteria: GeneDx Variant Classification (06012015). Collection method: clinical testing. Allele origin: germline. Affected: yes.
Comment: This variant is considered likely benign or benign based on one or more of the following criteria: it is a conservative change, it occurs at a poorly conserved position in the protein, it is predicted to be benign by multiple in silico algorithms, and/or has population frequency not consistent with disease.

Breakthrough Genomics
Classification: Likely benign. Review status: criteria provided, single submitter. Criteria: ACMG Guidelines, 2015. Collection method: not provided. Allele origin: germline. Inheritance: Autosomal recessive inheritance. Affected: yes.

PreventionGenetics, part of Exact Sciences
Classification: Likely benign. Review status: criteria provided, single submitter. Criteria: ACMG Guidelines, 2015. Collection method: clinical testing. Allele origin: germline.

NM_005476.7(GNE):c.1281+44G>A

Gene: GNE (glucosamine (UDP-N-acetyl)-2-epimerase/N-acetylmannosamine kinase; minus strand). Cytogenetic location: 9p13.3.
Variant type: single nucleotide variant.
Coding change: c.1281+44G>A on transcript NM_005476.7 (MANE Select); 44 bases into the intron after coding-DNA position 1281, G replaced by A.
Molecular consequence: intron variant.
Genome position (GRCh38, 1-based): chr9:36,227,204, C>T on the plus strand (G>A on the coding strand, the complement: GNE is on the minus strand). VCF-style: chr9-36227204-C-T. GRCh37 (hg19) VCF-style: chr9-36227201-C-T.
Other names: c.1104+44G>A (NM_001190388.2, NM_001374798.1); c.1374+44G>A (NM_001128227.3); c.951+44G>A (NM_001190384.3); c.1128+44G>A (NM_001374797.1); c.1281+44G>A (NM_001190383.3).
Identifiers: ClinVar variation 257523 (VCV000257523.3), dbSNP rs16933102, ClinGen allele CA5056538.